The following is an entry in ClinVar:

ClinVar aggregate classification (germline): Uncertain significance. Review status: criteria provided, multiple submitters, no conflicts (2 of 4 stars). 2 submissions from 2 submitters: Uncertain significance (2). Last evaluated 2023-09-23.

Conditions:
Arrhythmogenic right ventricular dysplasia 13. Also called: ARRHYTHMOGENIC RIGHT VENTRICULAR CARDIOMYOPATHY 13; Arrhythmogenic right ventricular dysplasia, familial, 13. Identifiers: MedGen C3810138, MONDO:0000908, OMIM 615616.
CTNNA3-related disorder. Also called: CTNNA3-related condition.

Allele frequency attached by ClinVar (database versions not stated): ExAC 0.00001; gnomAD 0.00001; gnomAD exomes 0.00001 and 0.00002; TOPMed 0.00002.
gnomAD v4.1: 8 of 1,613,574 alleles (0.0005%); highest among the groups gnomAD compares: South Asian, 0.0055%; no homozygotes.

Submissions (2):

PreventionGenetics, part of Exact Sciences
Classification: Uncertain significance for CTNNA3-related condition. Last evaluated: 2023-09-23. Review status: criteria provided, single submitter. Criteria: ACMG Guidelines, 2015. Collection method: clinical testing. Allele origin: germline.
Comment: The CTNNA3 c.425T>C variant is predicted to result in the amino acid substitution p.Ile142Thr. To our knowledge, this variant has not been reported in the literature. This variant is reported in 0.0098% of alleles in individuals of South Asian descent in gnomAD. At this time, the clinical significance of this variant is uncertain due to the absence of conclusive functional and genetic evidence.

Labcorp Genetics (formerly Invitae), Labcorp
Classification: Uncertain significance for Arrhythmogenic right ventricular dysplasia 13. Last evaluated: 2023-03-16. Review status: criteria provided, single submitter. Criteria: Invitae Variant Classification Sherloc (09022015). Collection method: clinical testing. Allele origin: germline.
Comment: ClinVar contains an entry for this variant (Variation ID: 1402202). This variant has not been reported in the literature in individuals affected with CTNNA3-related conditions. This variant is present in population databases (rs769116433, gnomAD 0.01%). This sequence change replaces isoleucine, which is neutral and non-polar, with threonine, which is neutral and polar, at codon 142 of the CTNNA3 protein (p.Ile142Thr). Advanced modeling of protein sequence and biophysical properties (such as structural, functional, and spatial information, amino acid conservation, physicochemical variation, residue mobility, and thermodynamic stability) performed at Invitae indicates that this missense variant is not expected to disrupt CTNNA3 protein function. In summary, the available evidence is currently insufficient to determine the role of this variant in disease. Therefore, it has been classified as a Variant of Uncertain Significance.

NM_013266.4(CTNNA3):c.425T>C (p.Ile142Thr)

Gene: CTNNA3 (catenin alpha 3; minus strand). Cytogenetic location: 10q21.3.
Variant type: single nucleotide variant.
Coding change: c.425T>C on transcript NM_013266.4 (MANE Select); coding-DNA position 425, T replaced by C.
Protein change: p.Ile142Thr; replaces isoleucine 142 with threonine.
Molecular consequence: missense variant.
Genome position (GRCh38, 1-based): chr10:67,539,537, A>G on the plus strand (T>C on the coding strand, the complement: CTNNA3 is on the minus strand). VCF-style: chr10-67539537-A-G. GRCh37 (hg19) VCF-style: chr10-69299295-A-G.
Other names: c.425T>C, p.Ile142Thr (NM_001127384.3); c.461T>C, p.Ile154Thr (NM_001291133.2); c.425T>C (NM_013266.3); short protein forms I142T, I154T.
Identifiers: ClinVar variation 1402202 (VCV001402202.6), dbSNP rs769116433, ClinGen allele CA5520628.